The following is an entry in ClinVar:

ClinVar aggregate classification (germline): Uncertain significance (1 of 4 stars; one submission).

Conditions:
Spastic paraplegia. Identifiers: MedGen C0037772, HP:0001258.

Allele frequency attached by ClinVar (database versions not stated): ExAC 0.00002; gnomAD exomes 0.00005; TOPMed 0.00005; gnomAD 0.00006; 1000 Genomes Project 0.00020; 1000 Genomes Project 30x 0.00031.
gnomAD v4.1: 77 of 1,613,000 alleles (0.0048%); highest among the groups gnomAD compares: East Asian, 0.027%; no homozygotes.

Submission:

Labcorp Genetics (formerly Invitae), Labcorp
Classification: Uncertain significance for Spastic paraplegia. Last evaluated: 2022-03-18. Review status: criteria provided, single submitter. Criteria: Invitae Variant Classification Sherloc (09022015). Collection method: clinical testing. Allele origin: germline.
Comment: This sequence change falls in intron 23 of the ZFYVE26 gene. It does not directly change the encoded amino acid sequence of the ZFYVE26 protein. It affects a nucleotide within the consensus splice site. This variant is present in population databases (rs547511829, gnomAD 0.005%). This variant has not been reported in the literature in individuals affected with ZFYVE26-related conditions. Variants that disrupt the consensus splice site are a relatively common cause of aberrant splicing (PMID: 17576681, 9536098). Algorithms developed to predict the effect of sequence changes on RNA splicing suggest that this variant is not likely to affect RNA splicing. In summary, the available evidence is currently insufficient to determine the role of this variant in disease. Therefore, it has been classified as a Variant of Uncertain Significance.

Literature cited by the submitters: PubMed 17576681; PubMed 9536098.

NM_015346.4(ZFYVE26):c.4674+6G>A

Gene: ZFYVE26 (zinc finger FYVE-type containing 26; minus strand). Cytogenetic location: 14q24.1.
Variant type: single nucleotide variant.
Coding change: c.4674+6G>A on transcript NM_015346.4 (MANE Select); 6 bases into the intron after coding-DNA position 4674, G replaced by A.
Molecular consequence: intron variant.
Genome position (GRCh38, 1-based): chr14:67,780,235, C>T on the plus strand (G>A on the coding strand, the complement: ZFYVE26 is on the minus strand). VCF-style: chr14-67780235-C-T. GRCh37 (hg19) VCF-style: chr14-68246952-C-T.
Identifiers: ClinVar variation 2070090 (VCV002070090.1), dbSNP rs547511829, ClinGen allele CA7239703.